The following is an entry in ClinVar:

ClinVar aggregate classification (germline): Pathogenic (1 of 4 stars; one submission).

Submission:

Labcorp Genetics (formerly Invitae), Labcorp
Classification: Pathogenic. Last evaluated: 2021-07-26. Review status: criteria provided, single submitter. Criteria: Invitae Variant Classification Sherloc (09022015). Collection method: clinical testing. Allele origin: germline.
Comment: This sequence change creates a premature translational stop signal (p.Trp127*) in the ERCC8 gene. It is expected to result in an absent or disrupted protein product. Loss-of-function variants in ERCC8 are known to be pathogenic (PMID: 29572252). This variant is not present in population databases (ExAC no frequency). This variant has not been reported in the literature in individuals affected with ERCC8-related conditions. For these reasons, this variant has been classified as Pathogenic.

Literature cited by the submitters: PubMed 29572252.

NM_000082.4(ERCC8):c.381G>A (p.Trp127Ter)

Genes: ERCC8 (ERCC excision repair 8, CSA ubiquitin ligase complex subunit; minus strand), ERCC8-AS1 (ERCC8 antisense RNA 1; plus strand). Cytogenetic location: 5q12.1.
Variant type: single nucleotide variant.
Coding change: c.381G>A on transcript NM_000082.4 (MANE Select); coding-DNA position 381, G replaced by A.
Protein change: p.Trp127Ter; replaces tryptophan 127 with a stop codon.
Molecular consequence: nonsense. On other transcripts: missense variant (1).
Genome position (GRCh38, 1-based): chr5:60,918,283, C>T on the plus strand (G>A on the coding strand, the complement: ERCC8 is on the minus strand). VCF-style: chr5-60918283-C-T. GRCh37 (hg19) VCF-style: chr5-60214110-C-T.
Other names: c.207G>A, p.Trp69Ter (NM_001007233.3); c.381G>A, p.Trp127Ter (NM_001007234.3); c.4G>A, p.Gly2Arg (NM_001290285.2); short protein forms W127*, W69*, G2R.
Identifiers: ClinVar variation 1453268 (VCV001453268.6), dbSNP rs1233266154, ClinGen allele CA359827857.